The following is an entry in ClinVar:

NM_002354.3(EPCAM):c.878G>T (p.Arg293Ile)

Gene: EPCAM (epithelial cell adhesion molecule; plus strand). Cytogenetic location: 2p21.
Variant type: single nucleotide variant.
Coding change: c.878G>T on transcript NM_002354.3 (MANE Select); coding-DNA position 878, G replaced by T.
Protein change: p.Arg293Ile; replaces arginine 293 with isoleucine.
Molecular consequence: missense variant.
Genome position (GRCh38, 1-based): chr2:47,385,185, G>T. VCF-style: chr2-47385185-G-T. GRCh37 (hg19) VCF-style: chr2-47612324-G-T.
Other names: short protein forms R293I.
Identifiers: ClinVar variation 2562276 (VCV002562276.3), dbSNP rs786204192, ClinGen allele CA346725301.

ClinVar aggregate classification (germline): Uncertain significance (1 of 4 stars; one submission).

Conditions:
Hereditary cancer-predisposing syndrome. Also called: Neoplastic Syndromes, Hereditary; Hereditary Cancer Syndrome; Hereditary neoplastic syndrome; Tumor predisposition. Identifiers: Orphanet 140162, MedGen C0027672, MeSH D009386, MONDO:0015356.

gnomAD v4.1: 18 of 1,613,130 alleles (0.0011%); highest among the groups gnomAD compares: Non-Finnish European, 0.0014%; no homozygotes.

Submission:

Ambry Genetics
Classification: Uncertain significance for Hereditary cancer-predisposing syndrome. Last evaluated: 2025-11-11. Review status: criteria provided, single submitter. Criteria: Ambry Variant Classification Scheme 2023. Collection method: clinical testing. Allele origin: germline.
Comment: The p.R293I variant (also known as c.878G>T), located in coding exon 8 of the EPCAM gene, results from a G to T substitution at nucleotide position 878. The arginine at codon 293 is replaced by isoleucine, an amino acid with similar properties. This amino acid position is conserved. In addition, this alteration is predicted to be tolerated by in silico analysis. Since supporting evidence is limited at this time, the clinical significance of this alteration remains unclear.